The following is an entry in ClinVar:

NM_001127644.2(GABRA1):c.638C>T (p.Ser213Leu)

Gene: GABRA1 (gamma-aminobutyric acid type A receptor subunit alpha1; plus strand). Cytogenetic location: 5q34.
Variant type: single nucleotide variant.
Coding change: c.638C>T on transcript NM_001127644.2 (MANE Select); coding-DNA position 638, C replaced by T.
Protein change: p.Ser213Leu; replaces serine 213 with leucine.
Molecular consequence: missense variant.
Genome position (GRCh38, 1-based): chr5:161,882,636, C>T. VCF-style: chr5-161882636-C-T. GRCh37 (hg19) VCF-style: chr5-161309642-C-T.
Other names: c.638C>T, p.Ser213Leu (NM_000806.5, NM_001127643.2, NM_001127645.2 and 1 more transcripts); short protein forms S213L.
Identifiers: ClinVar variation 958694 (VCV000958694.9), dbSNP rs1754664529, ClinGen allele CA362179560.

ClinVar aggregate classification (germline): Uncertain significance (1 of 4 stars; one submission).

Conditions:
Idiopathic generalized epilepsy. Also called: EIG; Generalised epilepsy. Identifiers: MedGen C0270850, MONDO:0005579, OMIM 600669.
Epilepsy, childhood absence 4 (ECA4). Also called: EPILEPSY, CHILDHOOD ABSENCE, SUSCEPTIBILITY TO, 4. Identifiers: Orphanet 307, MedGen C1970160.
Epilepsy, idiopathic generalized, susceptibility to, 13. Also called: EPILEPSY, JUVENILE MYOCLONIC, SUSCEPTIBILITY TO, 5. Identifiers: Orphanet 307, Orphanet 64280, MedGen C4013473, MONDO:0012627, OMIM 611136.

Submission:

Labcorp Genetics (formerly Invitae), Labcorp
Classification: Uncertain significance for Epilepsy, childhood absence 4; Epilepsy, idiopathic generalized, susceptibility to, 13; Idiopathic generalized epilepsy. Last evaluated: 2019-07-18. Review status: criteria provided, single submitter. Criteria: Invitae Variant Classification Sherloc (09022015). Collection method: clinical testing. Allele origin: germline.
Comment: This variant has not been reported in the literature in individuals with GABRA1-related conditions. This sequence change replaces serine with leucine at codon 213 of the GABRA1 protein (p.Ser213Leu). The serine residue is highly conserved and there is a large physicochemical difference between serine and leucine. This variant is not present in population databases (ExAC no frequency). Algorithms developed to predict the effect of missense changes on protein structure and function are either unavailable or do not agree on the potential impact of this missense change (SIFT: "Tolerated"; PolyPhen-2: "Probably Damaging"; Align-GVGD: "Class C0"). In summary, the available evidence is currently insufficient to determine the role of this variant in disease. Therefore, it has been classified as a Variant of Uncertain Significance.